The following is an entry in ClinVar:

ClinVar aggregate classification (germline): Uncertain significance (1 of 4 stars; one submission).

Conditions:
Familial cancer of breast. Also called: hereditary breast carcinoma; Hereditary breast cancer; BREAST CANCER, FAMILIAL. Identifiers: Orphanet 227535, MedGen C0346153, MONDO:0016419, OMIM 114480. Disease mechanism: loss of function.

gnomAD v4.1: 1 of 1,613,834 alleles (0.000062%); highest among the groups gnomAD compares: African/African-American, 0.0013%; no homozygotes.

Submission:

Labcorp Genetics (formerly Invitae), Labcorp
Classification: Uncertain significance for Familial cancer of breast. Last evaluated: 2023-07-29. Review status: criteria provided, single submitter. Criteria: Invitae Variant Classification Sherloc (09022015). Collection method: clinical testing. Allele origin: germline.
Comment: This sequence change replaces serine, which is neutral and polar, with glycine, which is neutral and non-polar, at codon 576 of the PALB2 protein (p.Ser576Gly). This variant is not present in population databases (gnomAD no frequency). This variant has not been reported in the literature in individuals affected with PALB2-related conditions. Advanced modeling of protein sequence and biophysical properties (such as structural, functional, and spatial information, amino acid conservation, physicochemical variation, residue mobility, and thermodynamic stability) performed at Invitae indicates that this missense variant is not expected to disrupt PALB2 protein function. Algorithms developed to predict the effect of sequence changes on RNA splicing suggest that this variant may create or strengthen a splice site. In summary, the available evidence is currently insufficient to determine the role of this variant in disease. Therefore, it has been classified as a Variant of Uncertain Significance.

NM_024675.4(PALB2):c.1726A>G (p.Ser576Gly)

Gene: PALB2 (partner and localizer of BRCA2; minus strand). Cytogenetic location: 16p12.2.
Variant type: single nucleotide variant.
Coding change: c.1726A>G on transcript NM_024675.4 (MANE Select); coding-DNA position 1726, A replaced by G.
Protein change: p.Ser576Gly; replaces serine 576 with glycine.
Molecular consequence: missense variant. On other transcripts: 5 prime UTR variant (2), intron variant (1).
Genome position (GRCh38, 1-based): chr16:23,630,428, T>C on the plus strand (A>G on the coding strand, the complement: PALB2 is on the minus strand). VCF-style: chr16-23630428-T-C. GRCh37 (hg19) VCF-style: chr16-23641749-T-C.
Other names: c.1666A>G, p.Ser556Gly (NM_001407296.1); c.1726A>G, p.Ser576Gly (NM_001407297.1, NM_001407298.1, NM_001407299.1 and 3 more transcripts); c.841A>G, p.Ser281Gly (NM_001407304.1, NM_001407305.1, NM_001407306.1 and 5 more transcripts); c.-63A>G (NM_001407312.1, NM_001407313.1); c.49-1153A>G (NM_001407314.1); short protein forms S281G, S556G, S576G.
Identifiers: ClinVar variation 2748067 (VCV002748067.3), dbSNP rs1555460681, ClinGen allele CA395128356.
Genomic context (GRCh38, chr16:23,630,428, plus strand): 5'-CATCCCTATGAAATGGAGCCGTGAAAGCATCATCATCCAAGGATAAATAAGCACTATTAC[T>C]CCAAGAAAGGGAATCCTCTTTTTGATGACGACTTTTCTTCCCTAAAGAAGAAAAATAAGT-3'
Protein context (NP_078951.2, residues 566-586): RHQKEDSLSW[Ser576Gly]NSAYLSLDDD